The following is an entry in ClinVar:

ClinVar aggregate classification (germline): Uncertain significance. Review status: criteria provided, multiple submitters, no conflicts (2 of 4 stars). 2 submissions from 2 submitters: Uncertain significance (2). Last evaluated 2025-07-14.

Conditions:
Hereditary spastic paraplegia 54. Also called: Spastic paraplegia 54, autosomal recessive. Identifiers: Orphanet 320380, MedGen C3539495, MONDO:0014018, OMIM 615033.
Inborn genetic diseases. Identifiers: MedGen C0950123, MeSH D030342.

Allele frequency attached by ClinVar (database versions not stated): gnomAD exomes below 0.00001 and 0.00001; TOPMed below 0.00001; ExAC 0.00001.
gnomAD v4.1: 7 of 1,613,314 alleles (0.00043%); highest among the groups gnomAD compares: Non-Finnish European, 0.00059%; no homozygotes.

Submissions (2):

Ambry Genetics
Classification: Uncertain significance for Inborn genetic diseases. Last evaluated: 2025-07-14. Review status: criteria provided, single submitter. Criteria: Ambry Variant Classification Scheme 2023. Collection method: clinical testing. Allele origin: germline.

Labcorp Genetics (formerly Invitae), Labcorp
Classification: Uncertain significance for Hereditary spastic paraplegia 54. Last evaluated: 2021-03-23. Review status: criteria provided, single submitter. Criteria: Invitae Variant Classification Sherloc (09022015). Collection method: clinical testing. Allele origin: germline.
Comment: In summary, the available evidence is currently insufficient to determine the role of this variant in disease. Therefore, it has been classified as a Variant of Uncertain Significance. Algorithms developed to predict the effect of missense changes on protein structure and function (SIFT, PolyPhen-2, Align-GVGD) all suggest that this variant is likely to be disruptive, but these predictions have not been confirmed by published functional studies and their clinical significance is uncertain. This variant has not been reported in the literature in individuals with DDHD2-related conditions. This variant is present in population databases (rs777500657, ExAC 0.002%). This sequence change replaces asparagine with serine at codon 535 of the DDHD2 protein (p.Asn535Ser). The asparagine residue is highly conserved and there is a small physicochemical difference between asparagine and serine.

NM_015214.3(DDHD2):c.1604A>G (p.Asn535Ser)

Gene: DDHD2 (DDHD domain containing 2; plus strand). Cytogenetic location: 8p11.23.
Variant type: single nucleotide variant.
Coding change: c.1604A>G on transcript NM_015214.3 (MANE Select); coding-DNA position 1604, A replaced by G.
Protein change: p.Asn535Ser; replaces asparagine 535 with serine.
Molecular consequence: missense variant. On other transcripts: non-coding transcript variant (2).
Genome position (GRCh38, 1-based): chr8:38,252,274, A>G. VCF-style: chr8-38252274-A-G. GRCh37 (hg19) VCF-style: chr8-38109792-A-G.
Other names: c.1604A>G, p.Asn535Ser (NM_001164232.2, NM_001362911.2, NM_001362912.2 and 1 more transcripts); c.1514A>G, p.Asn505Ser (NM_001362913.2); c.1604A>G (NM_015214.2); short protein forms N505S, N535S.
Identifiers: ClinVar variation 1437609 (VCV001437609.7), dbSNP rs777500657, ClinGen allele CA4716305.